The following is an entry in ClinVar:

ClinVar aggregate classification (germline): Uncertain significance (1 of 4 stars; one submission).

Conditions:
Inborn genetic diseases. Identifiers: MedGen C0950123, MeSH D030342.

Submission:

Ambry Genetics
Classification: Uncertain significance for Inborn genetic diseases. Last evaluated: 2025-03-15. Review status: criteria provided, single submitter. Criteria: Ambry Variant Classification Scheme 2023. Collection method: clinical testing. Allele origin: germline.
Comment: The p.S793C variant (also known as c.2378C>G), located in coding exon 20 of the KDM1A gene, results from a C to G substitution at nucleotide position 2378. The serine at codon 793 is replaced by cysteine, an amino acid with dissimilar properties. This amino acid position is conserved. In addition, this alteration is predicted to be deleterious by in silico analysis. Based on the available evidence, the clinical significance of this variant remains unclear.

NM_001009999.3(KDM1A):c.2378C>G (p.Ser793Cys)

Gene: KDM1A (lysine demethylase 1A; plus strand). Cytogenetic location: 1p36.12.
Variant type: single nucleotide variant.
Coding change: c.2378C>G on transcript NM_001009999.3 (MANE Select); coding-DNA position 2378, C replaced by G.
Protein change: p.Ser793Cys; replaces serine 793 with cysteine.
Molecular consequence: missense variant.
Genome position (GRCh38, 1-based): chr1:23,082,299, C>G. VCF-style: chr1-23082299-C-G. GRCh37 (hg19) VCF-style: chr1-23408792-C-G.
Other names: c.2324C>G, p.Ser775Cys (NM_001363654.2); c.2384C>G, p.Ser795Cys (NM_001410762.1); c.2306C>G, p.Ser769Cys (NM_001410763.1, NM_015013.4); short protein forms S795C, S769C, S775C, S793C.
Identifiers: ClinVar variation 4042045 (VCV004042045.1).